The following is an entry in ClinVar:

ClinVar aggregate classification (germline): Uncertain significance (1 of 4 stars; one submission).

Allele frequency attached by ClinVar (database versions not stated): 1000 Genomes Project 30x 0.00042; 1000 Genomes Project 0.00053.
gnomAD v4.1: 7 of 1,209,075 alleles (0.00058%); highest among the groups gnomAD compares: Non-Finnish European, 0.00067%; no homozygotes.

Submission:

Labcorp Genetics (formerly Invitae), Labcorp
Classification: Uncertain significance. Last evaluated: 2024-10-24. Review status: criteria provided, single submitter. Criteria: Invitae Variant Classification Sherloc (09022015). Collection method: clinical testing. Allele origin: germline.
Comment: This sequence change replaces threonine, which is neutral and polar, with isoleucine, which is neutral and non-polar, at codon 326 of the CHM protein (p.Thr326Ile). This variant is not present in population databases (gnomAD no frequency). This variant has not been reported in the literature in individuals affected with CHM-related conditions. ClinVar contains an entry for this variant (Variation ID: 2166866). Invitae Evidence Modeling of protein sequence and biophysical properties (such as structural, functional, and spatial information, amino acid conservation, physicochemical variation, residue mobility, and thermodynamic stability) indicates that this missense variant is not expected to disrupt CHM protein function with a negative predictive value of 80%. In summary, the available evidence is currently insufficient to determine the role of this variant in disease. Therefore, it has been classified as a Variant of Uncertain Significance.

NM_000390.4(CHM):c.977C>T (p.Thr326Ile)

Gene: CHM (CHM Rab escort protein; minus strand). Cytogenetic location: Xq21.2.
Variant type: single nucleotide variant.
Coding change: c.977C>T on transcript NM_000390.4 (MANE Select); coding-DNA position 977, C replaced by T.
Protein change: p.Thr326Ile; replaces threonine 326 with isoleucine.
Molecular consequence: missense variant.
Genome position (GRCh38, 1-based): chrX:85,956,342, G>A on the plus strand (C>T on the coding strand, the complement: CHM is on the minus strand). VCF-style: chrX-85956342-G-A. GRCh37 (hg19) VCF-style: chrX-85211347-G-A.
Other names: c.533C>T, p.Thr178Ile (NM_001320959.1, NM_001362517.1, NM_001362518.2 and 1 more transcripts); short protein forms T178I, T326I.
Identifiers: ClinVar variation 2166866 (VCV002166866.3), dbSNP rs200321098, ClinGen allele CA332654831.